The following is an entry in ClinVar:

NC_000013.10:g.(?_32890539)_(32890684_?)del

Gene: BRCA2 (BRCA2 DNA repair associated; plus strand). Cytogenetic location: 13q13.1.
Variant type: Deletion.
Identifiers: ClinVar variation 2422278 (VCV002422278.5).

ClinVar aggregate classification (germline): Pathogenic (1 of 4 stars; one submission).

Conditions:
Hereditary breast ovarian cancer syndrome. Also called: Hereditary breast and ovarian cancer syndrome; Hereditary breast and ovarian cancer; Hereditary breast and/or ovarian cancer syndrome; Hereditary breast and ovarian cancer syndrome (HBOC); Breast and ovarian cancer; BRCA1- and BRCA2-Associated Hereditary Breast and Ovarian Cancer. Identifiers: Orphanet 145, MedGen C0677776, MeSH D061325, MONDO:0003582. Disease mechanism: loss of function.

Submission:

Labcorp Genetics (formerly Invitae), Labcorp
Classification: Pathogenic for Hereditary breast ovarian cancer syndrome. Last evaluated: 2021-11-18. Review status: criteria provided, single submitter. Criteria: Invitae Variant Classification Sherloc (09022015). Collection method: clinical testing. Allele origin: germline.
Comment: This variant is a gross deletion of the genomic region encompassing exon(s) 2 of the BRCA2 gene, which includes the initiator codon. This deletion extends beyond the assayed region for this gene and therefore may encompass additional genes. It is expected to result in an absent or disrupted protein product. Loss-of-function variants in BRCA2 are known to be pathogenic (PMID: 20104584). A similar copy number variant has been observed in individual(s) with breast cancer (PMID: 17063271, 26026974). It is commonly reported in individuals of Spanish ancestry (PMID: 17063271). For these reasons, this variant has been classified as Pathogenic.

Literature cited by the submitters: PubMed 20104584; PubMed 17063271; PubMed 26026974.